The following is an entry in ClinVar:

ClinVar aggregate classification (germline): Uncertain significance (1 of 4 stars; one submission).

Submission:

Women's Health and Genetics/Laboratory Corporation of America, LabCorp
Classification: Uncertain significance. Last evaluated: 2024-06-28. Review status: criteria provided, single submitter. Criteria: LabCorp Variant Classification Summary - May 2015. Collection method: clinical testing. Allele origin: germline.
Comment: Variant summary: KIF26A c.51G>C (p.Glu17Asp) results in a conservative amino acid change in the encoded protein sequence. Five of five in-silico tools predict a benign effect of the variant on protein function. The variant was absent in 7960 control chromosomes. The available data on variant occurrences in the general population are insufficient to allow any conclusion about variant significance. To our knowledge, no occurrence of c.51G>C in individuals affected with Cortical Dysplasia, Complex, With Other Brain Malformations 11 and no experimental evidence demonstrating its impact on protein function have been reported. No submitters have cited clinical-significance assessments for this variant to ClinVar. Based on the evidence outlined above, the variant was classified as uncertain significance.

NM_015656.2(KIF26A):c.51G>C (p.Glu17Asp)

Gene: KIF26A (kinesin family member 26A; plus strand). Cytogenetic location: 14q32.33.
Variant type: single nucleotide variant.
Coding change: c.51G>C on transcript NM_015656.2 (MANE Select); coding-DNA position 51, G replaced by C.
Protein change: p.Glu17Asp; replaces glutamic acid 17 with aspartic acid.
Molecular consequence: missense variant.
Genome position (GRCh38, 1-based): chr14:104,139,051, G>C. VCF-style: chr14-104139051-G-C. GRCh37 (hg19) VCF-style: chr14-104605388-G-C.
Other names: short protein forms E17D.
Identifiers: ClinVar variation 3339847 (VCV003339847.1).